The following is an entry in ClinVar:

ClinVar aggregate classification (germline): Benign/Likely benign. Review status: criteria provided, multiple submitters, no conflicts (2 of 4 stars). 4 submissions from 4 submitters: Benign (1); Likely benign (3). Last evaluated 2025-03-18.

Conditions:
Hereditary cancer-predisposing syndrome. Also called: Hereditary neoplastic syndrome; Neoplastic Syndromes, Hereditary; Tumor predisposition; Hereditary Cancer Syndrome. Identifiers: Orphanet 140162, MedGen C0027672, MeSH D009386, MONDO:0015356.
Familial thoracic aortic aneurysm and aortic dissection (TAAD). Also called: Thoracic aortic aneurysms and dissections. Identifiers: Orphanet 91387, MedGen C4707243, MONDO:0019625.
Juvenile polyposis syndrome (JPS). Identifiers: Orphanet 2929, MedGen C0345893, MONDO:0017380, OMIM 174900.
Juvenile polyposis/hereditary hemorrhagic telangiectasia syndrome (JPHT). Also called: Juvenile Polyposis Syndrome / Hereditary Hemorrhagic Telangiectasia (JPS/HHT); JP/HHT SYNDROME; JUVENILE POLYPOSIS WITH HEREDITARY HEMORRHAGIC TELANGIECTASIA; POLYPOSIS, GENERALIZED JUVENILE, WITH PULMONARY ARTERIOVENOUS MALFORMATION; TELANGIECTASIA, HEREDITARY HEMORRHAGIC, WITH JUVENILE POLYPOSIS COLI. Identifiers: Orphanet 2929, MedGen C1832942, MONDO:0008278, OMIM 175050.

Allele frequency attached by ClinVar (database versions not stated): gnomAD exomes below 0.00001.
gnomAD v4.1: 5 of 1,614,040 alleles (0.00031%); highest among the groups gnomAD compares: Non-Finnish European, 0.00042%; no homozygotes.

Submissions (4):

Myriad Genetics, Inc.
Classification: Benign for Juvenile polyposis/hereditary hemorrhagic telangiectasia syndrome. Last evaluated: 2025-03-18. Review status: criteria provided, single submitter. Criteria: Myriad Autosomal Dominant, Autosomal Recessive and X-Linked Classification Criteria (2023). Collection method: clinical testing. Allele origin: unknown.
Comment: This variant is considered benign. This variant is a silent/synonymous amino acid change and it is not expected to impact splicing.

Labcorp Genetics (formerly Invitae), Labcorp
Classification: Likely benign for Juvenile polyposis syndrome. Last evaluated: 2021-08-18. Review status: criteria provided, single submitter. Criteria: Invitae Variant Classification Sherloc (09022015). Collection method: clinical testing. Allele origin: germline.

Ambry Genetics
Classification: Likely benign for Hereditary cancer-predisposing syndrome; Familial thoracic aortic aneurysm and aortic dissection. Last evaluated: 2020-12-31. Review status: criteria provided, single submitter. Criteria: Ambry Variant Classification Scheme 2023. Collection method: clinical testing. Allele origin: germline.

Women's Health and Genetics/Laboratory Corporation of America, LabCorp
Classification: Likely benign. Last evaluated: 2019-08-29. Review status: criteria provided, single submitter. Criteria: LabCorp Variant Classification Summary - May 2015. Collection method: clinical testing. Allele origin: germline.

NM_005359.6(SMAD4):c.339A>G (p.Lys113=)

Gene: SMAD4 (SMAD family member 4; plus strand). Cytogenetic location: 18q21.2.
Variant type: single nucleotide variant.
Coding change: c.339A>G on transcript NM_005359.6 (MANE Select); coding-DNA position 339, A replaced by G.
Protein change: p.Lys113=; no amino-acid change (lysine 113 retained).
Molecular consequence: synonymous variant.
Genome position (GRCh38, 1-based): chr18:51,048,775, A>G. VCF-style: chr18-51048775-A-G. GRCh37 (hg19) VCF-style: chr18-48575145-A-G.
Identifiers: ClinVar variation 632983 (VCV000632983.13), dbSNP rs1568203460, ClinGen allele CA503873591.